The following is an entry in ClinVar:

ClinVar aggregate classification (germline): Uncertain significance. Review status: criteria provided, multiple submitters, no conflicts (2 of 4 stars). 2 submissions from 2 submitters: Uncertain significance (2). Last evaluated 2025-10-24.

Conditions:
Inborn genetic diseases. Identifiers: MedGen C0950123, MeSH D030342.

Allele frequency attached by ClinVar (database versions not stated): gnomAD 0.00001; TOPMed 0.00001; ExAC 0.00002; gnomAD exomes 0.00002.

Submissions (2):

Ambry Genetics
Classification: Uncertain significance for Inborn genetic diseases. Last evaluated: 2025-10-24. Review status: criteria provided, single submitter. Criteria: Ambry Variant Classification Scheme 2023. Collection method: clinical testing. Allele origin: germline.

Labcorp Genetics (formerly Invitae), Labcorp
Classification: Uncertain significance. Last evaluated: 2022-08-22. Review status: criteria provided, single submitter. Criteria: Invitae Variant Classification Sherloc (09022015). Collection method: clinical testing. Allele origin: germline.
Comment: In summary, the available evidence is currently insufficient to determine the role of this variant in disease. Therefore, it has been classified as a Variant of Uncertain Significance. Algorithms developed to predict the effect of missense changes on protein structure and function (SIFT, PolyPhen-2, Align-GVGD) all suggest that this variant is likely to be tolerated. This variant has not been reported in the literature in individuals affected with DHX37-related conditions. This variant is present in population databases (rs778969337, gnomAD 0.01%). This sequence change replaces glutamic acid, which is acidic and polar, with glycine, which is neutral and non-polar, at codon 76 of the DHX37 protein (p.Glu76Gly).

NM_032656.4(DHX37):c.227A>G (p.Glu76Gly)

Gene: DHX37 (DEAH-box helicase 37; minus strand). Cytogenetic location: 12q24.31.
Variant type: single nucleotide variant.
Coding change: c.227A>G on transcript NM_032656.4 (MANE Select); coding-DNA position 227, A replaced by G.
Protein change: p.Glu76Gly; replaces glutamic acid 76 with glycine.
Molecular consequence: missense variant.
Genome position (GRCh38, 1-based): chr12:124,986,145, T>C on the plus strand (A>G on the coding strand, the complement: DHX37 is on the minus strand). VCF-style: chr12-124986145-T-C. GRCh37 (hg19) VCF-style: chr12-125470691-T-C.
Other names: c.227A>G (NM_032656.3); short protein forms E76G.
Identifiers: ClinVar variation 2192142 (VCV002192142.5), dbSNP rs778969337, ClinGen allele CA6872524.
Genomic context (GRCh38, chr12:124,986,145, plus strand): 5'-GTGGGGTGTACCTGGCTCTTTTTCTCCTTCTGTTCTAAGATTTTCTGCAGCACTTTCTTC[T>C]CCTTCTTGGTCAGAGGCTTCTTCTCCTTCTTCGACAGGGGAGGGGCTTTGGTCTTCTTTT-3'
Protein context (NP_116045.2, residues 66-86): KKEKKPLTKK[Glu76Gly]KKVLQKILEQ